The following is an entry in ClinVar:

NM_025114.4(CEP290):c.7034+6T>A

Gene: CEP290 (centrosomal protein 290; minus strand). Cytogenetic location: 12q21.32.
Variant type: single nucleotide variant.
Coding change: c.7034+6T>A on transcript NM_025114.4 (MANE Select); 6 bases into the intron after coding-DNA position 7034, T replaced by A.
Molecular consequence: intron variant.
Genome position (GRCh38, 1-based): chr12:88,054,334, A>T on the plus strand (T>A on the coding strand, the complement: CEP290 is on the minus strand). VCF-style: chr12-88054334-A-T. GRCh37 (hg19) VCF-style: chr12-88448111-A-T.
Other names: c.7034+6T>A (NM_025114.3).
Identifiers: ClinVar variation 3575351 (VCV003575351.3).
Genomic context (GRCh38, chr12:88,054,334, plus strand): 5'-ATATAAAAACTAATAATTTTTTTTTTAAAGAAAAAAACAAAGTAGTCATATGAATACATG[A>T]TGTACCTAAGAACTTGAAGCTCCCGTTTAAGGCCTTGCTCTGTCTCAGCACCTTCAGGAA-3'

ClinVar aggregate classification (germline): Conflicting classifications of pathogenicity. Review status: criteria provided, conflicting classifications (1 of 4 stars). 3 submissions from 3 submitters: Uncertain significance (2); Likely benign (1). Last evaluated 2025-12-31.

Conditions:
CEP290-related disorder. Also called: CEP290-related condition; CEP290-related disorders. Identifiers: MedGen CN239314.
Leber congenital amaurosis 10 (LCA10). Identifiers: Orphanet 65, MedGen C1857821, MONDO:0012723, OMIM 611755.
Meckel syndrome, type 4 (MKS4). Also called: MECKEL-GRUBER SYNDROME, TYPE 4. Identifiers: Orphanet 564, MedGen C1970161, MONDO:0012626, OMIM 611134.
Senior-Loken syndrome 6 (SLSN6). Identifiers: Orphanet 3156, MedGen C1857779, MONDO:0012433, OMIM 610189.
Joubert syndrome 5 (JBTS5). Identifiers: Orphanet 2318, MedGen C1857780, MONDO:0012432, OMIM 610188.
Bardet-Biedl syndrome 14 (BBS14). Identifiers: Orphanet 110, MedGen C2673874, MONDO:0014442, OMIM 615991.

gnomAD v4.1: 40 of 1,581,596 alleles (0.0025%); highest among the groups gnomAD compares: Non-Finnish European, 0.0032%; no homozygotes.

Submissions (3):

PreventionGenetics, part of Exact Sciences
Classification: Likely benign for CEP290-related condition. Last evaluated: 2025-12-31. Review status: criteria provided, single submitter. Criteria: ACMG Guidelines, 2015. Collection method: clinical testing. Allele origin: germline.
Comment: This variant is classified as likely benign based on ACMG/AMP sequence variant interpretation guidelines (Richards et al. 2015 PMID: 25741868, with internal and published modifications).

Fulgent Genetics
Classification: Uncertain significance for Joubert syndrome 5; Senior-Loken syndrome 6; Meckel syndrome, type 4; Leber congenital amaurosis 10; Bardet-Biedl syndrome 14. Last evaluated: 2024-03-25. Review status: criteria provided, single submitter. Criteria: ACMG Guidelines, 2015. Collection method: clinical testing. Allele origin: germline.

Blueprint Genetics
Classification: Uncertain significance. Last evaluated: 2021-11-02. Review status: criteria provided, single submitter. Criteria: ACMG Guidelines, 2015. Collection method: clinical testing. Allele origin: germline.